The following is an entry in ClinVar:

NM_001356.5(DDX3X):c.1575T>A (p.Tyr525Ter)

Gene: DDX3X (DEAD-box helicase 3 X-linked; plus strand). Cytogenetic location: Xp11.4.
Variant type: single nucleotide variant.
Coding change: c.1575T>A on transcript NM_001356.5 (MANE Select); coding-DNA position 1575, T replaced by A.
Protein change: p.Tyr525Ter; replaces tyrosine 525 with a stop codon.
Molecular consequence: nonsense. On other transcripts: non-coding transcript variant (1).
Genome position (GRCh38, 1-based): chrX:41,346,582, T>A. VCF-style: chrX-41346582-T-A. GRCh37 (hg19) VCF-style: chrX-41205835-T-A.
Other names: c.1575T>A, p.Tyr525Ter (NM_001193416.3); c.1527T>A, p.Tyr509Ter (NM_001193417.3); c.1017T>A, p.Tyr339Ter (NM_001363819.1); short protein forms Y339*, Y509*, Y525*.
Identifiers: ClinVar variation 930875 (VCV000930875.3), dbSNP rs766409654, ClinGen allele CA412776759.

ClinVar aggregate classification (germline): Likely pathogenic (1 of 4 stars; one submission).

Conditions:
Intellectual disability, X-linked 102 (MRXSSB). Also called: Intellectual developmental disorder, X-linked syndromic, Snijders Blok type. Identifiers: Orphanet 457260, MedGen C5393299, MONDO:0010497, OMIM 300958.

Submission:

Centre for Mendelian Genomics, University Medical Centre Ljubljana
Classification: Likely pathogenic for Intellectual disability, X-linked 102. Last evaluated: 2020-03-09. Review status: criteria provided, single submitter. Criteria: ACMG Guidelines, 2015. Collection method: clinical testing. Allele origin: unknown. Affected: yes.
Comment: This variant was classified as: Likely pathogenic. The following ACMG criteria were applied in classifying this variant: PVS1,PM2.